The following is an entry in ClinVar:

ClinVar aggregate classification (germline): Uncertain significance (1 of 4 stars; one submission).

Allele frequency attached by ClinVar (database versions not stated): gnomAD exomes 0.00002; ExAC 0.00003; gnomAD 0.00006; TOPMed 0.00007; ESP Exome Variant Server 0.00031.
gnomAD v4.1: 46 of 1,613,164 alleles (0.0029%); highest among the groups gnomAD compares: Non-Finnish European, 0.0036%; no homozygotes.

Submission:

Labcorp Genetics (formerly Invitae), Labcorp
Classification: Uncertain significance. Last evaluated: 2022-08-20. Review status: criteria provided, single submitter. Criteria: Invitae Variant Classification Sherloc (09022015). Collection method: clinical testing. Allele origin: germline.
Comment: This sequence change replaces serine, which is neutral and polar, with isoleucine, which is neutral and non-polar, at codon 234 of the GPAA1 protein (p.Ser234Ile). This variant is present in population databases (rs199943818, gnomAD 0.01%). This variant has not been reported in the literature in individuals affected with GPAA1-related conditions. Algorithms developed to predict the effect of missense changes on protein structure and function are either unavailable or do not agree on the potential impact of this missense change (SIFT: "Tolerated"; PolyPhen-2: "Possibly Damaging"; Align-GVGD: "Class C0"). In summary, the available evidence is currently insufficient to determine the role of this variant in disease. Therefore, it has been classified as a Variant of Uncertain Significance.

NM_003801.4(GPAA1):c.701G>T (p.Ser234Ile)

Gene: GPAA1 (glycosylphosphatidylinositol anchor attachment 1; plus strand). Cytogenetic location: 8q24.3.
Variant type: single nucleotide variant.
Coding change: c.701G>T on transcript NM_003801.4 (MANE Select); coding-DNA position 701, G replaced by T.
Protein change: p.Ser234Ile; replaces serine 234 with isoleucine.
Molecular consequence: missense variant.
Genome position (GRCh38, 1-based): chr8:144,084,218, G>T. VCF-style: chr8-144084218-G-T. GRCh37 (hg19) VCF-style: chr8-145139121-G-T.
Other names: short protein forms S234I.
Identifiers: ClinVar variation 2178785 (VCV002178785.1), dbSNP rs199943818, ClinGen allele CA4932908.
Genomic context (GRCh38, chr8:144,084,218, plus strand): 5'-GCCGAGCTGGGGCCATTCAGGCAGCCGTGGCCCTGGAGCTGAGCAGTGATGTGGTCACCA[G>T]CCTCGATGTGGCCGTGGAGGGGCTTAACGGGCAGCTGCCCAACCTTGACCTGCTCAATCT-3'
Protein context (NP_003792.1, residues 224-244): ALELSSDVVT[Ser234Ile]LDVAVEGLNG